The following is an entry in ClinVar:

ClinVar aggregate classification (germline): Pathogenic/Likely pathogenic. Review status: criteria provided, multiple submitters, no conflicts (2 of 4 stars). 27 submissions from 26 submitters: Pathogenic (21); Likely pathogenic (1). 5 of the submissions do not count toward it. Last evaluated 2026-08-13.

Conditions:
PALB2-related cancer predisposition. Identifiers: MedGen CN377761, MONDO:0700272.
Breast-ovarian cancer, familial, susceptibility to, 5 (BROVCA5). Identifiers: MedGen C5830615, MONDO:0957530, OMIM 620442.
Inherited breast cancer and ovarian cancer.
PALB2-related disorder. Also called: PALB2-related disorders; PALB2-related condition.
Breast and/or ovarian cancer. Identifiers: MedGen CN221562.
Hereditary cancer-predisposing syndrome. Also called: Neoplastic Syndromes, Hereditary; Tumor predisposition; Hereditary Cancer Syndrome; Hereditary neoplastic syndrome. Identifiers: Orphanet 140162, MedGen C0027672, MeSH D009386, MONDO:0015356.
Familial cancer of breast. Also called: hereditary breast carcinoma; Hereditary breast cancer; BREAST CANCER, FAMILIAL. Identifiers: Orphanet 227535, MedGen C0346153, MONDO:0016419, OMIM 114480. Disease mechanism: loss of function.
Fanconi anemia complementation group N. Also called: PALB2-Related Fanconi Anemia. Identifiers: Orphanet 84, MedGen C1835817, MONDO:0012565, OMIM 610832. Disease mechanism: loss of function.
Pancreatic cancer, susceptibility to, 3. Identifiers: Orphanet 1333, MedGen C3150547, MONDO:0013236, OMIM 613348.
Hereditary breast ovarian cancer syndrome. Also called: BRCA1- and BRCA2-Associated Hereditary Breast and Ovarian Cancer; Hereditary breast and ovarian cancer; Hereditary breast and ovarian cancer syndrome; Hereditary breast and ovarian cancer syndrome (HBOC); Breast and ovarian cancer; Hereditary breast and/or ovarian cancer syndrome. Identifiers: Orphanet 145, MedGen C0677776, MeSH D061325, MONDO:0003582. Disease mechanism: loss of function.
Malignant tumor of breast. Also called: Cancer breast; Malignant breast neoplasm. Identifiers: MedGen C0006142, MONDO:0007254. Disease mechanism: loss of function.

Submissions 1 to 9 of 27:

Genomics and Molecular Medicine Service, East Genomic Laboratory Hub, NHS Genomic Medicine Service
Classification: Pathogenic for Inherited breast cancer and ovarian cancer. Last evaluated: 2026-08-13. Review status: criteria provided, single submitter. Criteria: ACGS Best Practice Guidelines for Variant Classification in Rare Disease 2020. Collection method: clinical testing. Allele origin: germline. Affected: yes.
Comment: PVS1,PM3,PM5_Supporting

PreventionGenetics, part of Exact Sciences
Classification: Pathogenic for PALB2-related condition. Last evaluated: 2026-04-03. Review status: criteria provided, single submitter. Criteria: ACMG Guidelines, 2015. Collection method: clinical testing. Allele origin: germline.
Comment: The PALB2 c.3116delA variant is predicted to result in a frameshift and premature protein termination (p.Asn1039Ilefs*2). This variant has been reported in individuals with breast, pancreatic, and prostate cancer (Rahman et al. 2007. PubMed ID: 17200668; Jones et al. 2009. PubMed ID: 19264984; Slater et al. 2010. PubMed ID: 20412113; Matejcic et al. 2020. PubMed ID: 32832836). It was also reported in the compound heterozygous state in an individual with a history of acute myeloid leukemia, neuroblastoma, and Fanconi anemia (Reid et al. 2007. PubMed ID: 17200671). This variant is reported in 0.0027% of alleles in individuals of European (Non-Finnish) descent in gnomAD and is interpreted as Pathogenic/Likely Pathogenic in ClinVar (Variation ID: 126715). Frameshift variants in PALB2 are expected to be pathogenic. This variant is interpreted as pathogenic.

Genetics Laboratory, Great Ormond Street Hospital NHS Foundation Trust, North Thames Genomic Laboratory Hub
Classification: Pathogenic for Inherited breast cancer and ovarian cancer. Last evaluated: 2026-02-27. Review status: criteria provided, single submitter. Criteria: CanVIG PALB2 Gene Specific V1.2. Collection method: clinical testing. Allele origin: germline. Affected: yes.
Comment: PVS1_very-strong, PM5_supporting, PM3_moderate

Labcorp Genetics (formerly Invitae), Labcorp
Classification: Pathogenic for Familial cancer of breast. Last evaluated: 2026-01-12. Review status: criteria provided, single submitter. Criteria: Invitae Variant Classification Sherloc (09022015). Collection method: clinical testing. Allele origin: germline.
Comment: This sequence change creates a premature translational stop signal (p.Asn1039Ilefs*2) in the PALB2 gene. It is expected to result in an absent or disrupted protein product. Loss-of-function variants in PALB2 are known to be pathogenic (PMID: 17200668, 17200671, 17200672, 24136930, 25099575). This variant is present in population databases (rs180177133, gnomAD 0.003%). This premature translational stop signal has been observed in individual(s) with Fanconi anemia, breast cancer, pancreatic cancer, and stomach cancer (PMID: 17200668, 17200671, 19264984, 20412113, 25452441, 26845104). ClinVar contains an entry for this variant (Variation ID: 126715). For these reasons, this variant has been classified as Pathogenic.

Victorian Clinical Genetics Services, Murdoch Childrens Research Institute
Classification: Pathogenic for PALB2-related cancer predisposition. Last evaluated: 2025-09-15. Review status: criteria provided, single submitter. Criteria: ACMG Guidelines, 2015. Collection method: clinical testing. Allele origin: germline.
Comment: This variant is classified as Pathogenic. Evidence in support of pathogenic classification: Variant is predicted to cause nonsense-mediated decay (NMD) and loss of protein (premature termination codon is located at least 54 nucleotides upstream of the final exon-exon junction); Variant is present in gnomAD <0.01 (v4: 70 heterozygote(s), 0 homozygote(s)); This variant has strong previous evidence of pathogenicity in unrelated individuals. This variant has been classified as likely pathogenic and pathogenic by multiple clinical laboratories in ClinVar; Other NMD-predicted variants comparable to the one identified in this case have very strong previous evidence for pathogenicity (DECIPHER). Additional information: This variant is heterozygous; This gene is associated with both recessive and dominant disease. Biallelic variants in this gene are associated with fanconi anaemia, complementation group N (MIM#610832), while monoallelic variants are associated with PALB2-related cancer predisposition (MONDO:0700272); Loss of function is a known mechanism of disease in this gene and is associated with fanconi anaemia, complementation group N (MIM#610832) and PALB2-related cancer predisposition (MONDO:0700272).

Cambridge Genomics Laboratory, East Genomic Laboratory Hub, NHS Genomic Medicine Service
Classification: Pathogenic for Inherited breast cancer and ovarian cancer. Last evaluated: 2025-08-08. Review status: criteria provided, single submitter. Criteria: ACGS Best Practice Guidelines for Variant Classification in Rare Disease 2020. Collection method: clinical testing. Allele origin: germline. Affected: yes.
Comment: the same text as in the submission from Genomics and Molecular Medicine Service, East Genomic Laboratory Hub, NHS Genomic Medicine Service above.

Molecular Pathology, Peter Maccallum Cancer Centre
Classification: Pathogenic for Familial cancer of breast. Last evaluated: 2025-06-11. Review status: criteria provided, single submitter. Criteria: ACMG Guidelines, 2015. Collection method: clinical testing. Allele origin: germline. Inheritance: Autosomal dominant inheritance.

Quest Diagnostics Nichols Institute San Juan Capistrano
Classification: Pathogenic. Last evaluated: 2024-11-08. Review status: criteria provided, single submitter. Criteria: Quest Diagnostics criteria. Collection method: clinical testing. Allele origin: unknown.
Comment: The PALB2 c.3116del (p.Asn1039Ilefs*2) variant alters the translational reading frame of the PALB2 mRNA and causes the premature termination of PALB2 protein synthesis. This variant has been reported in the published literature in individuals with breast cancer (PMID: 17200668 (2007), 25099575 (2014), 25452441 (2015), 26283626 (2015), 34326862 (2021)), pancreatic cancer (PMID: 19264984 (2009), 20412113 (2010), 29922827 (2018)), endometrial cancer (PMID: 36744932 (2023)), and ovarian cancer (PMID: 36169650 (2022)). This variant was also identified in an individual with Fanconi anemia (PMID: 17200671 (2007)). A published functional study has shown that this variant results in no protein expression in Fanconi anemia patient cells with other biallelic truncating variants (PMID: 17200671 (2007)). The frequency of this variant in the general population, 0.000027 (3/112938 chromosomes (Genome Aggregation Database)), is consistent with pathogenicity. Based on the available information, this variant is classified as pathogenic.

Ambry Genetics
Classification: Pathogenic for Hereditary cancer-predisposing syndrome. Last evaluated: 2024-10-30. Review status: criteria provided, single submitter. Criteria: Ambry Variant Classification Scheme 2023. Collection method: clinical testing. Allele origin: germline.
Comment: The c.3116delA pathogenic mutation, located in coding exon 11 of the PALB2 gene, results from a deletion of one nucleotide at nucleotide position 3116, causing a translational frameshift with a predicted alternate stop codon (p.N1039Ifs*2). This mutation has been reported in individuals affected with familial breast cancer and familial pancreatic cancer (Rahman N et al. Nat. Genet. 2007 Feb;39(2):165-7; Jones S et al. Science 2009 Apr 10;324(5924):217; Slater EP et al. Clin. Genet. 2010 Nov;78(5): 490-4; Thompson ER et al. Breast Cancer Res. 2015 Aug;17:111; Couch FJ et al. J Clin Oncol, 2015 Feb;33:304-11; Woodward ER et al. Genet Med, 2021 Oct;23:1969-1976; Kondrashova O et al. Cancers (Basel), 2021 04;13; Lerner-Ellis J et al. J Cancer Res Clin Oncol, 2021 Mar;147:871-879). It has also been identified in conjunction with another PALB2 mutation in an individual affected with Fanconi anemia type N (Reid S et al. Nat. Genet. 2007 Feb;39(2):162-4). This variant is considered to be rare based on population cohorts in the Genome Aggregation Database (gnomAD). In addition to the clinical data presented in the literature, this alteration is expected to result in loss of function by premature protein truncation or nonsense-mediated mRNA decay. As such, this alteration is interpreted as a disease-causing mutation.

NM_024675.4(PALB2):c.3116del (p.Asn1039fs)

Gene: PALB2 (partner and localizer of BRCA2; minus strand). Cytogenetic location: 16p12.2.
Variant type: Deletion.
Coding change: c.3116del on transcript NM_024675.4 (MANE Select); coding-DNA position 3116, one base deleted (A; older notation c.3116delA).
Protein change: p.Asn1039fs; shifts the reading frame from asparagine 1039.
Molecular consequence: frameshift variant.
Genome position (GRCh38, 1-based): chr16:23,614,089, T deleted on the plus strand (A on the coding strand, the reverse complement: PALB2 is on the minus strand); the first of 2 consecutive T bases (chr16:23,614,089-23,614,090); deleting either gives the same sequence. VCF-style (leftmost placement, unchanged base first): chr16-23614088-AT-A. GRCh37 (hg19) VCF-style: chr16-23625409-AT-A.
Other names: c.3116delA (NM_024675.3).
Identifiers: ClinVar variation 126715 (VCV000126715.57), dbSNP rs180177133, ClinGen allele CA151245.